The following is an entry in ClinVar:

ClinVar aggregate classification (germline): Benign (1 of 4 stars; one submission).

Allele frequency attached by ClinVar (database versions not stated): gnomAD exomes 0.12517; ESP Exome Variant Server 0.13391; 1000 Genomes Project 0.13538; 1000 Genomes Project 30x 0.13616; gnomAD 0.14045; TOPMed 0.14956; ExAC 0.21173.
gnomAD v4.1: 142,794 of 1,121,904 alleles (13%); highest among the groups gnomAD compares: Admixed American, 20%; 9,941 homozygotes.

Submission:

Unidad de Genómica Garrahan, Hospital de Pediatría Garrahan
Classification: Benign. Last evaluated: 2024-01-24. Review status: criteria provided, single submitter. Criteria: ACMG Guidelines, 2015. Collection method: clinical testing. Allele origin: germline. Affected: no. Observed: 35 variant alleles.
Comment: This variant is classified as Benign based on local population frequency. This variant was detected in 37% of patients studied by a panel of primary immunodeficiencies. Number of patients: 35. Only high quality variants are reported.

NM_006466.4(POLR3F):c.874-24A>G

Gene: POLR3F (RNA polymerase III subunit F; plus strand). Cytogenetic location: 20p11.23.
Variant type: single nucleotide variant.
Coding change: c.874-24A>G on transcript NM_006466.4 (MANE Select); 24 bases into the intron before coding-DNA position 874, A replaced by G.
Molecular consequence: intron variant.
Genome position (GRCh38, 1-based): chr20:18,483,457, A>G. VCF-style: chr20-18483457-A-G. GRCh37 (hg19) VCF-style: chr20-18464101-A-G.
Other names: c.751-24A>G (NM_001282526.2); c.730-24A>G (NM_001410821.1).
Identifiers: ClinVar variation 2688196 (VCV002688196.2), dbSNP rs2424213, ClinGen allele CA9777643.